The following is an entry in ClinVar:

NM_000883.4(IMPDH1):c.931G>A (p.Asp311Asn)

Gene: IMPDH1 (inosine monophosphate dehydrogenase 1; minus strand). Cytogenetic location: 7q32.1.
Variant type: single nucleotide variant.
Coding change: c.931G>A on transcript NM_000883.4 (MANE Select); coding-DNA position 931, G replaced by A.
Protein change: p.Asp311Asn; replaces aspartic acid 311 with asparagine.
Molecular consequence: missense variant.
Genome position (GRCh38, 1-based): chr7:128,398,557, C>T on the plus strand (G>A on the coding strand, the complement: IMPDH1 is on the minus strand). VCF-style: chr7-128398557-C-T. GRCh37 (hg19) VCF-style: chr7-128038611-C-T.
Other names: c.901G>A, p.Asp301Asn (NM_001102605.2); c.676G>A, p.Asp226Asn (NM_001142573.2); c.661G>A, p.Asp221Asn (NM_001142574.2); c.601G>A, p.Asp201Asn (NM_001142575.2); c.832G>A, p.Asp278Asn (NM_001142576.2); c.724G>A, p.Asp242Asn (NM_001304521.2); c.823G>A, p.Asp275Asn (NM_183243.3); short protein forms D226N, D201N, D221N, D275N, D278N, D301N, D311N, D242N.
Identifiers: ClinVar variation 14834 (VCV000014834.17), dbSNP rs121912550, ClinGen allele CA257369.

ClinVar aggregate classification (germline): Pathogenic/Likely pathogenic. Review status: criteria provided, multiple submitters, no conflicts (2 of 4 stars). 10 submissions from 10 submitters: Pathogenic (8); Likely pathogenic (1). 1 of the submissions does not count toward it. Last evaluated 2026-02-14.

Conditions:
IMPDH1-related disorder. Also called: IMPDH1-related condition; IMPDH1-related disorders.
Retinal dystrophy. Also called: Inherited retinal dystrophy. Identifiers: Orphanet 71862, MedGen C0854723, MeSH D058499, MONDO:0019118, HP:0000556.
Retinitis pigmentosa 10 (RP10). Identifiers: Orphanet 791, MedGen C1867299, MONDO:0008379, OMIM 180105.
Retinal disorder. Also called: Retinopathy; Retinopathies; Retinal Diseases; Retinal disorders. Identifiers: MedGen C0035309, MONDO:0005283, HP:0000488.

Allele frequency attached by ClinVar (database versions not stated): gnomAD exomes below 0.00001; ExAC 0.00001.
gnomAD v4.1: 1 of 1,613,108 alleles (0.000062%); highest among the groups gnomAD compares: Non-Finnish European, 0.000085%; no homozygotes.

Submissions (10):

PreventionGenetics, part of Exact Sciences
Classification: Pathogenic for IMPDH1-related condition. Last evaluated: 2026-02-14. Review status: criteria provided, single submitter. Criteria: ACMG Guidelines, 2015. Collection method: clinical testing. Allele origin: germline.
Comment: The IMPDH1 c.931G>A variant is predicted to result in the amino acid substitution p.Asp311Asn. This variant has been reported many times in the heterozygous state in individuals with retinitis pigmentosa (see for examples: Martin-Merida et al. 2018. PubMed ID: 29847639; Table S1, Weisschuh et al. 2020. PubMed ID: 32531858; Bennett et al. 2020. PubMed ID: 32821486; Table S1, Lin et al. 2024. PubMed ID: 38219857). A functional study using purified protein found that the p.Asp311Asn substitution causes protein misfolding and the authors speculated this has a dominant negative effect on the wildtype protein (reported as D226N, Wang et al. 2011. PubMed ID: 21791244). This variant is present in 0.00088% of alleles in individuals of European (Non-Finnish) descent in gnomAD. This variant is interpreted as pathogenic.

Genetics Laboratory, Great Ormond Street Hospital NHS Foundation Trust, North Thames Genomic Laboratory Hub
Classification: Pathogenic for Retinal disorders. Last evaluated: 2026-01-22. Review status: criteria provided, single submitter. Criteria: ACGS Best Practice Guidelines for Variant Classification in Rare Disease 2024 v1.2. Collection method: clinical testing. Allele origin: germline. Affected: yes.
Comment: PS4_moderate, PM2_moderate, PP3_supporting, PS3_supporting, PP1_strong

3billion
Classification: Pathogenic for Retinitis pigmentosa 10. Last evaluated: 2025-11-16. Review status: criteria provided, single submitter. Criteria: ACMG Guidelines, 2015. Collection method: clinical testing. Allele origin: germline. Affected: yes.
Comment: The variant is observed at an extremely low frequency in the gnomAD v4.1.0 dataset (total allele frequency: <0.001%). Predicted Consequence/Location: Missense variant Functional studies provide supporting evidence of the variant having a damaging effect on the gene or gene product (PMID: 21791244). In silico tool predictions suggest damaging effect of the variant on gene or gene product [REVEL: 0.83 (>=0.6, sensitivity 0.68 and specificity 0.92); 3Cnet: 0.99 (> 0.75, sensitivity 0.96 and precision 0.92)]. The same nucleotide change resulting in the same amino acid change has been previously reported as pathogenic/likely pathogenic with strong evidence (ClinVar ID: VCV000014834 /PMID: 11875050 /3billion dataset). The variant has been reported to co-segregate with the disease in at least 7 similarly affected relatives/individuals in at least two unrelated families (PMID: 28945494). Different missense changes at the same codon (p.Asp311Glu, p.Asp311Gly) have been reported to be associated with IMPDH1-related disorder (ClinVar ID: VCV000861483 /PMID: 30902645, 32483926, 39206744). Therefore, this variant is classified as Pathogenic according to the recommendation of ACMG/AMP guideline.

Labcorp Genetics (formerly Invitae), Labcorp
Classification: Pathogenic. Last evaluated: 2025-10-12. Review status: criteria provided, single submitter. Criteria: Invitae Variant Classification Sherloc (09022015). Collection method: clinical testing. Allele origin: germline.
Comment: This sequence change replaces aspartic acid, which is acidic and polar, with asparagine, which is neutral and polar, at codon 311 of the IMPDH1 protein (p.Asp311Asn). This variant is present in population databases (rs121912550, gnomAD 0.0009%). This missense change has been observed in individuals with autosomal dominant retinitis pigmentosa (PMID: 11875050, 28945494). It has also been observed to segregate with disease in related individuals. This variant is also known as Asp226Asn. ClinVar contains an entry for this variant (Variation ID: 14834). An algorithm developed to predict the effect of missense changes on protein structure and function (PolyPhen-2) suggests that this variant is likely to be disruptive. Experimental studies have shown that this missense change affects IMPDH1 function (PMID: 15882147, 21791244). For these reasons, this variant has been classified as Pathogenic.

Blueprint Genetics
Classification: Pathogenic for IMPDH1-related disorders. Last evaluated: 2023-10-27. Review status: criteria provided, single submitter. Criteria: ACMG Guidelines, 2015. Collection method: clinical testing. Allele origin: germline. Affected: yes. Observed: 5 variant alleles.

Dept Of Ophthalmology, Nagoya University
Classification: Likely pathogenic for Retinal dystrophy. Last evaluated: 2023-10-01. Review status: criteria provided, single submitter. Criteria: Submitter's publication. Collection method: research. Allele origin: germline. Affected: yes.

Ocular Genomics Institute, Massachusetts Eye and Ear
Classification: Pathogenic for Retinitis pigmentosa 10. Last evaluated: 2021-04-08. Review status: criteria provided, single submitter. Criteria: ACMG Guidelines, 2015. Collection method: research. Allele origin: germline. Affected: yes.
Comment: Through a review of available evidence we were able to apply the following criteria: PM2, PS3, PP1-S. Based on this evidence we have classified this variant as Pathogenic.

Institute of Medical Genetics and Applied Genomics, University Hospital Tübingen
Classification: Pathogenic. Last evaluated: 2020-10-23. Review status: criteria provided, single submitter. Criteria: ACMG Guidelines, 2015. Collection method: clinical testing. Allele origin: germline. Inheritance: Autosomal dominant inheritance. Affected: yes.

GeneDx
Classification: Pathogenic. Last evaluated: 2019-11-01. Review status: criteria provided, single submitter. Criteria: GeneDx Variant Classification Process June 2021. Collection method: clinical testing. Allele origin: germline. Affected: yes.
Comment: Published functional studies demonstrate a damaging effect with impaired protein folding (Wang et al., 2011); In silico analysis, which includes protein predictors and evolutionary conservation, supports a deleterious effect; This variant is associated with the following publications: (PMID: 15851576, 28945494, 21791244, 16671097, 25439607, 11875050, 29847639, 31126147, 32821486)

OMIM
Classification: Pathogenic for RETINITIS PIGMENTOSA 10. Last evaluated: 2006-06-01. Review status: no assertion criteria provided. Collection method: literature only. Allele origin: germline. Not counted in ClinVar's aggregate classification.

Literature cited by the submitters: PubMed 11875050 (cited by 3 submitters); PubMed 21791244 (cited by 3billion and Labcorp Genetics (formerly Invitae), Labcorp); PubMed 30902645 (cited by 3billion); PubMed 28945494 (cited by 3billion and Labcorp Genetics (formerly Invitae), Labcorp); PubMed 15882147 (cited by Labcorp Genetics (formerly Invitae), Labcorp); PubMed 15851576 (cited by OMIM); PubMed 16671097 (cited by OMIM).